The following is an entry in ClinVar:

NC_012920.1:m.12889G>A

Gene: MT-ND5 (mitochondrially encoded NADH dehydrogenase 5; plus strand).
Variant type: single nucleotide variant.
Genome position: chrM-12889-G-A.
Identifiers: ClinVar variation 439963 (VCV000439963.8), dbSNP rs1556424185, ClinGen allele CA414815336.

ClinVar aggregate classification (germline): Uncertain significance (1 of 4 stars; one submission).

Submission:

ARUP Laboratories, Molecular Genetics and Genomics, ARUP Laboratories
Classification: Uncertain significance. Last evaluated: 2017-05-12. Review status: criteria provided, single submitter. Criteria: ARUP Molecular Germline Variant Investigation Process. Collection method: clinical testing. Allele origin: germline.
Comment: The m.12889G>A variant, to our knowledge, is not reported in the medical literature or gene-specific variant databases. This variant is also not listed in MITOMAP. MT-ND5 is one of seven mitochondrially encoded protein subunits of Complex I, and pathogenic variants in MT-ND5 are associated with LHON and MELAS. However, due to the lack of available information, the clinical significance of the m.12889G>A variant cannot be determined with certainty.